The following is an entry in ClinVar:

NM_002524.5(NRAS):c.173C>T (p.Thr58Ile)

Gene: NRAS (NRAS proto-oncogene, GTPase; minus strand). Cytogenetic location: 1p13.2.
Variant type: single nucleotide variant.
Coding change: c.173C>T on transcript NM_002524.5 (MANE Select); coding-DNA position 173, C replaced by T.
Protein change: p.Thr58Ile; replaces threonine 58 with isoleucine.
Molecular consequence: missense variant.
Genome position (GRCh38, 1-based): chr1:114,713,917, G>A on the plus strand (C>T on the coding strand, the complement: NRAS is on the minus strand). VCF-style: chr1-114713917-G-A. GRCh37 (hg19) VCF-style: chr1-115256538-G-A.
Other names: NM_002524.5(NRAS):c.173C>T; p.Thr58Ile; short protein forms T58I.
Identifiers: ClinVar variation 1070042 (VCV001070042.19), dbSNP rs2101742052, ClinGen allele CA341741642.

ClinVar aggregate classification (germline): Pathogenic. Review status: reviewed by expert panel (3 of 4 stars). 7 submissions from 7 submitters: Pathogenic (1). 6 of the submissions do not count toward it. Last evaluated 2024-12-03.

Conditions:
Noonan syndrome 1 (NS1). Also called: FEMALE PSEUDO-TURNER SYNDROME; TURNER PHENOTYPE WITH NORMAL KARYOTYPE; PTPN11-Related Noonan Syndrome. Identifiers: Orphanet 648, MedGen C4551602, MONDO:0008104, OMIM 163950. Disease mechanism: gain of function.
Colorectal cancer. Also called: Colorectal cancer, somatic; Malignant Colorectal Neoplasm. Identifiers: MedGen C0346629, MONDO:0005575, OMIM 114500.
Noonan syndrome (NS). Also called: Noonan's syndrome. Identifiers: Orphanet 648, MedGen C0028326, MeSH D009634, MONDO:0018997. Disease mechanism: gain of function.
Noonan syndrome and Noonan-related syndrome. Identifiers: Orphanet 98733, MedGen C5681679, MONDO:0020297.
RASopathy. Also called: rasopathies; Noonan spectrum disorder. Identifiers: Orphanet 536391, MedGen C5555857, MONDO:0021060.

Submissions (7):

ClinGen RASopathy Variant Curation Expert Panel
Classification: Pathogenic for Noonan syndrome. Last evaluated: 2024-12-03. Review status: reviewed by expert panel. Criteria: ClinGen RASopathy ACMG Specifications NRAS V2.3.0. Collection method: curation. Allele origin: germline. Inheritance: Autosomal dominant inheritance.
Comment: The NM_002524.5:c.173C>T variant in NRAS is a missense variant predicted to cause substitution of threonine by isoleucine at amino acid 58 (p.Thr58Ile). This variant is absent from gnomAD v2.1.1 (PM2_P). The computational predictor REVEL gives a score of 0.959, which is above the threshold of 0.7, evidence that correlates with impact to NRAS function (PP3). This variant resides within the Switch 2 region (amino acids 57 – 64), of NRAS that is defined as a critical functional domain (PM1). 2 different missense variants, (KRAS):c.173C>T (p.Thr58Ile) (PMID: 16474405; ClinVar ID: 12588) and (HRAS):c.173C>T (p.Thr58Ile) (PMID: 18247425; ClinVar ID: 12610), in the same codon have been classified as pathogenic for RASopathy by the ClinGen RASopathy VCEP (PS1). This variant has been reported in 1 proband with RASopathy (PS4_Supporting; PMID:28594414). ERK (and AKT) activation assays in HEK293T cells promoted enhanced activation of ERK and AKT, even in the absence of stimulation. Additionally, a higher level of NRASThr58Ile in its GTP-bound, active form was observed, indicating that this variant causes gain of function (PMID: 28594414) (PS3_Moderate). In summary, this variant meets the criteria to be classified as pathogenic for autosomal dominant RASopathy based on the ACMG/AMP criteria applied, as specified by the ClinGen RASopathy VCEP: PS1, PS3_Moderate, PM1, PS4_Supporting, PM2_Supporting, PP3. (ClinGen RASopathy VCEP specifications version 2.3; 12/3/2024)

Labcorp Genetics (formerly Invitae), Labcorp
Classification: Pathogenic for RASopathy. Last evaluated: 2026-02-01. Review status: criteria provided, single submitter. Criteria: Invitae Variant Classification Sherloc (09022015). Collection method: clinical testing. Allele origin: germline. Not counted in ClinVar's aggregate classification.
Comment: This sequence change replaces threonine, which is neutral and polar, with isoleucine, which is neutral and non-polar, at codon 58 of the NRAS protein (p.Thr58Ile). This variant is not present in population databases (gnomAD no frequency). This missense change has been observed in individual(s) with Noonan syndrome (PMID: 28594414). In at least one individual the variant was observed to be de novo. ClinVar contains an entry for this variant (Variation ID: 1070042). Invitae Evidence Modeling of protein sequence and biophysical properties (such as structural, functional, and spatial information, amino acid conservation, physicochemical variation, residue mobility, and thermodynamic stability) indicates that this missense variant is expected to disrupt NRAS protein function with a positive predictive value of 95%. Experimental studies have shown that this missense change affects NRAS function (PMID: 28594414). For these reasons, this variant has been classified as Pathogenic.

GeneDx
Classification: Pathogenic. Last evaluated: 2025-04-10. Review status: criteria provided, single submitter. Criteria: GeneDx Variant Classification Process June 2021. Collection method: clinical testing. Allele origin: germline. Affected: yes. Not counted in ClinVar's aggregate classification.
Comment: Published in vitro functional studies demonstrate enhanced ERK and AKT activation in the absence of stimulation, consistent with a gain-of-function mechanism (PMID: 28594414); Missense variants in this gene are a common cause of disease and they are underrepresented in the general population; In silico analysis supports that this missense variant has a deleterious effect on protein structure/function; Not observed at significant frequency in large population cohorts (gnomAD); This variant is associated with the following publications: (PMID: 26163758, 24265153, 30273197, 28222664, 32782529, 37839252, 28594414)

Women's Health and Genetics/Laboratory Corporation of America, LabCorp
Classification: Likely pathogenic for RASopathy. Last evaluated: 2022-10-15. Review status: criteria provided, single submitter. Criteria: LabCorp Variant Classification Summary - May 2015. Collection method: clinical testing. Allele origin: germline. Not counted in ClinVar's aggregate classification.
Comment: Variant summary: NRAS c.173C>T (p.Thr58Ile) results in a non-conservative amino acid change located in the Small GTP-binding protein domain (IPR005225) of the encoded protein sequence. Five of five in-silico tools predict a damaging effect of the variant on protein function. The variant was absent in 251312 control chromosomes (gnomAD). c.173C>T has been reported in the literature in at least one individual affected with Noonan Syndrome who inherited the variant from an unaffected father with mosaicism (Altmuller_2017). However, these data do not allow any conclusion about variant significance. When assayed experimentally in HEK293 cells, the variant showed constitutively enhanced ERK/AKT activation, confirming it was a gain-of-function variant (Altmuller_2017). Five ClinVar submitters have assessed the variant since 2014: one classified the variant as likely pathogenic, and four as pathogenic. Based on the evidence outlined above, the variant was classified as likely pathogenic.

Mendelics
Classification: Likely pathogenic for Colorectal cancer. Last evaluated: 2022-05-04. Review status: criteria provided, single submitter. Criteria: Mendelics Assertion Criteria 2019. Collection method: clinical testing. Allele origin: germline. Not counted in ClinVar's aggregate classification.

Genome Diagnostics Laboratory, The Hospital for Sick Children
Classification: Pathogenic for Noonan syndrome and Noonan-related syndrome. Last evaluated: 2019-12-01. Review status: criteria provided, single submitter. Criteria: ACMG Guidelines, 2015. Collection method: clinical testing. Allele origin: germline. Affected: yes. Not counted in ClinVar's aggregate classification.

Division of Human Genetics, National Health Laboratory Service/University of the Witwatersrand
Classification: Pathogenic for Noonan syndrome 1. Review status: no assertion criteria provided. Collection method: research. Allele origin: unknown. Affected: yes. Observed: 1 variant allele. Not counted in ClinVar's aggregate classification.

Literature cited by the submitters: PubMed 28594414 (cited by Labcorp Genetics (formerly Invitae), Labcorp and Women's Health and Genetics/Laboratory Corporation of America, LabCorp); PubMed 26980726 (cited by Women's Health and Genetics/Laboratory Corporation of America, LabCorp); PubMed 27121720 (cited by Women's Health and Genetics/Laboratory Corporation of America, LabCorp); PubMed 24806883 (cited by Women's Health and Genetics/Laboratory Corporation of America, LabCorp); PubMed 17671181 (cited by Women's Health and Genetics/Laboratory Corporation of America, LabCorp); PubMed 23325582 (cited by Women's Health and Genetics/Laboratory Corporation of America, LabCorp); PubMed 22220252 (cited by Women's Health and Genetics/Laboratory Corporation of America, LabCorp); PubMed 23708912 (cited by Women's Health and Genetics/Laboratory Corporation of America, LabCorp); PubMed 29692343 (cited by Women's Health and Genetics/Laboratory Corporation of America, LabCorp); PubMed 27276561 (cited by Women's Health and Genetics/Laboratory Corporation of America, LabCorp); PubMed 27069254 (cited by Women's Health and Genetics/Laboratory Corporation of America, LabCorp).